The following is an entry in ClinVar:

NM_003809.3(TNFSF12):c.174G>T (p.Glu58Asp)

Genes: TNFSF12 (TNF superfamily member 12; plus strand), TNFSF12-TNFSF13 (TNFSF12-TNFSF13 readthrough; plus strand). Cytogenetic location: 17p13.1.
Variant type: single nucleotide variant.
Coding change: c.174G>T on transcript NM_003809.3 (MANE Select); coding-DNA position 174, G replaced by T.
Protein change: p.Glu58Asp; replaces glutamic acid 58 with aspartic acid.
Molecular consequence: missense variant. On other transcripts: non-coding transcript variant (1).
Genome position (GRCh38, 1-based): chr17:7,549,488, G>T. VCF-style: chr17-7549488-G-T. GRCh37 (hg19) VCF-style: chr17-7452805-G-T.
Other names: c.174G>T, p.Glu58Asp (NM_172089.4); short protein forms E58D.
Identifiers: ClinVar variation 4766636 (VCV004766636.1).
Genomic context (GRCh38, chr17:7,549,488, plus strand): 5'-ATGTCAGGTGGAGCGGCACAGGGTGACGCTCCCTCCTTCCCAGCAGGAGCCTGCCCAGGA[G>T]GAGCTGGTGGCAGAGGAGGACCAGGACCCGTCGGTGAGTGGGCGTGGGCGCGGTCTGCAG-3'
Protein context (NP_003800.1, residues 48-68): ASLSAQEPAQ[Glu58Asp]ELVAEEDQDP

ClinVar aggregate classification (germline): Uncertain significance (1 of 4 stars; one submission).

Conditions:
Common variable immunodeficiency (CVID). Also called: Common variable hypogamma-globulinemia; Common variable agammaglobulinemia. Identifiers: Orphanet 1572, MedGen C0009447, MONDO:0015517.

gnomAD v4.1: 7 of 1,545,834 alleles (0.00045%); highest among the groups gnomAD compares: Non-Finnish European, 0.00061%; no homozygotes.

Submission:

Labcorp Genetics (formerly Invitae), Labcorp
Classification: Uncertain significance for Common variable immunodeficiency. Last evaluated: 2025-05-19. Review status: criteria provided, single submitter. Criteria: Invitae Variant Classification Sherloc (09022015). Collection method: clinical testing. Allele origin: germline.
Comment: This sequence change replaces glutamic acid, which is acidic and polar, with aspartic acid, which is acidic and polar, at codon 58 of the TNFSF12 protein (p.Glu58Asp). The frequency data for this variant in the population databases is considered unreliable, as metrics indicate poor data quality at this position in the gnomAD database. This variant has not been reported in the literature in individuals affected with TNFSF12-related conditions. An algorithm developed to predict the effect of missense changes on protein structure and function (PolyPhen-2) suggests that this variant is likely to be tolerated. In summary, the available evidence is currently insufficient to determine the role of this variant in disease. Therefore, it has been classified as a Variant of Uncertain Significance.